The following is an entry in ClinVar:

NM_001166108.2(PALLD):c.*68A>G

Genes: CBR4 (carbonyl reductase 4; minus strand), PALLD (palladin, cytoskeletal associated protein; plus strand). Cytogenetic location: 4q32.3.
Variant type: single nucleotide variant.
Coding change: c.*68A>G on transcript NM_001166108.2 (MANE Select); 68 bases downstream of the stop codon, A replaced by G.
Molecular consequence: 3 prime UTR variant. On other transcripts: missense variant (4).
Genome position (GRCh38, 1-based): chr4:168,926,248, A>G. VCF-style: chr4-168926248-A-G. GRCh37 (hg19) VCF-style: chr4-169847399-A-G.
Other names: c.2197A>G, p.Lys733Glu (NM_001166109.2); c.1882A>G, p.Lys628Glu (NM_001166110.2); c.*68A>G (NM_001367567.1, NM_001367570.1, NM_016081.4); c.1273A>G, p.Lys425Glu (NM_001367568.1); c.1222A>G, p.Lys408Glu (NM_001367569.1); short protein forms K628E, K408E, K733E, K425E.
Identifiers: ClinVar variation 3885324 (VCV003885324.1).

ClinVar aggregate classification (germline): Uncertain significance (1 of 4 stars; one submission).

gnomAD v4.1: 3 of 1,536,542 alleles (0.0002%); highest among the groups gnomAD compares: Non-Finnish European, 0.00026%; no homozygotes.

Submission:

Ambry Genetics
Classification: Uncertain significance. Last evaluated: 2025-02-04. Review status: criteria provided, single submitter. Criteria: Ambry Variant Classification Scheme 2023. Collection method: clinical testing. Allele origin: germline.
Comment: The p.K628E variant (also known as c.1882A>G), located in coding exon 11 of the PALLD gene, results from an A to G substitution at nucleotide position 1882. The lysine at codon 628 is replaced by glutamic acid, an amino acid with similar properties. This amino acid position is conserved. In addition, this alteration is predicted to be tolerated by in silico analysis. Based on the available evidence, the clinical significance of this variant remains unclear.